The following is an entry in ClinVar:

ClinVar aggregate classification (germline): Likely pathogenic (1 of 4 stars; one submission).

Conditions:
Marfan Syndrome/Loeys-Dietz Syndrome/Familial Thoracic Aortic Aneurysms and Dissections. Identifiers: MedGen CN229799.

Submission:

Women's Health and Genetics/Laboratory Corporation of America, LabCorp
Classification: Likely pathogenic for Marfan Syndrome/Loeys-Dietz Syndrome/Familial Thoracic Aortic Aneurysms and Dissections. Last evaluated: 2016-11-03. Review status: criteria provided, single submitter. Criteria: LabCorp Variant Classification Summary - May 2015. Collection method: clinical testing. Allele origin: germline.
Comment: Variant summary: The FBN1 c.385T>A (p.Cys129Ser) variant affects a conserved nucleotide and 4/4 in silico tools predict the variant to be deleterious. This variant lies in a conserved region within the EGF-like #2 domain. "The sulfhydryl group of cysteine is unique in its ability to participate in disulfide covalent cross-linkage. In fact, two thirds of fibrillin cysteine residues exist in the half-cystinyl form, suggesting their participation in intramolecular disulfide linkage. The cysteine residues in the EGF-like motif may also be necessary for intermolecular interactions with other fibrillin molecules or with other proteins (Dietz_1992, PMID:1301946). Therefore, alteration of cysteine residues in this domain could disrupt disulfide binding, effecting secondary or tertiary structure or possibly impairing fibrillin interactions. In support of a deleterious effect of this variant, the variant is absent from control individuals. Moreover, different variants affecting the same codon (C129Y and C129G) are listed in HGMD/UMD/ClinVar as MFS-causing mutations were reported in at least 4 pts with Classical MFS and clear segregation with the disease within the family (Nijbroek, 1995; Haji-Seyed-Javadi, 2012; Chung, 2009; Ogawa, 2011). These data indicate the variant to be located at a mutational hotspot and highlighting the functional importance of the C129 residue. Therefore, this variant is classified as Likely Pathogenic.

NM_000138.5(FBN1):c.385T>A (p.Cys129Ser)

Gene: FBN1 (fibrillin 1; minus strand). Cytogenetic location: 15q21.1.
Variant type: single nucleotide variant.
Coding change: c.385T>A on transcript NM_000138.5 (MANE Select); coding-DNA position 385, T replaced by A.
Protein change: p.Cys129Ser; replaces cysteine 129 with serine.
Molecular consequence: missense variant.
Genome position (GRCh38, 1-based): chr15:48,600,196, A>T on the plus strand (T>A on the coding strand, the complement: FBN1 is on the minus strand). VCF-style: chr15-48600196-A-T. GRCh37 (hg19) VCF-style: chr15-48892393-A-T.
Other names: short protein forms C129S.
Identifiers: ClinVar variation 495600 (VCV000495600.1), dbSNP rs199474693, ClinGen allele CA392446560.